The following is an entry in ClinVar:

NM_000094.4(COL7A1):c.7114G>T (p.Gly2372Ter)

Gene: COL7A1 (collagen type VII alpha 1 chain; minus strand). Cytogenetic location: 3p21.31.
Variant type: single nucleotide variant.
Coding change: c.7114G>T on transcript NM_000094.4 (MANE Select); coding-DNA position 7114, G replaced by T.
Protein change: p.Gly2372Ter; replaces glycine 2372 with a stop codon.
Molecular consequence: nonsense.
Genome position (GRCh38, 1-based): chr3:48,571,151, C>A on the plus strand (G>T on the coding strand, the complement: COL7A1 is on the minus strand). VCF-style: chr3-48571151-C-A. GRCh37 (hg19) VCF-style: chr3-48608584-C-A.
Other names: short protein forms G2372*.
Identifiers: ClinVar variation 2840760 (VCV002840760.3), dbSNP rs2530876916, ClinGen allele CA352651230.

ClinVar aggregate classification (germline): Pathogenic (1 of 4 stars; one submission).

Submission:

Labcorp Genetics (formerly Invitae), Labcorp
Classification: Pathogenic. Last evaluated: 2023-02-25. Review status: criteria provided, single submitter. Criteria: Invitae Variant Classification Sherloc (09022015). Collection method: clinical testing. Allele origin: germline.
Comment: For these reasons, this variant has been classified as Pathogenic. This variant has not been reported in the literature in individuals affected with COL7A1-related conditions. This variant is not present in population databases (gnomAD no frequency). This sequence change creates a premature translational stop signal (p.Gly2372*) in the COL7A1 gene. It is expected to result in an absent or disrupted protein product. Loss-of-function variants in COL7A1 are known to be pathogenic (PMID: 16971478).

Literature cited by the submitters: PubMed 16971478.